The following is an entry in ClinVar:

ClinVar aggregate classification (germline): Likely benign. Review status: criteria provided, multiple submitters, no conflicts (2 of 4 stars). 4 submissions from 4 submitters: Likely benign (4). Last evaluated 2025-08-30.

Conditions:
Cardiovascular phenotype. Identifiers: MedGen CN230736.
Arrhythmogenic right ventricular cardiomyopathy (ARVD). Also called: Arrhythmogenic cardiomyopathy; Arrhythmogenic Right Ventricular Cardiomyopathy (ARVC); Cardiomyopathy, ARVC; Arrhythmogenic right ventricular dysplasia. Identifiers: Orphanet 247, MedGen C0349788, MeSH D019571, MONDO:0016587. Disease mechanism: loss of function. Inheritance: Various modes of inheritance.
Cardiomyopathy (CMYO). Also called: Cardiomyopathies. Identifiers: Orphanet 167848, MedGen C0878544, MONDO:0004994, HP:0001638. Inheritance: Various modes of inheritance.
Arrhythmogenic right ventricular dysplasia 9 (ARVD9). Also called: Arrhythmogenic Right Ventricular Dysplasia/Cardiomyopathy 9; ARRHYTHMOGENIC RIGHT VENTRICULAR DYSPLASIA, FAMILIAL, 9. Identifiers: MedGen C1836906, MONDO:0012180, OMIM 609040.

Allele frequency attached by ClinVar (database versions not stated): ESP Exome Variant Server 0.00008.
gnomAD v4.1: 12 of 1,613,948 alleles (0.00074%); highest among the groups gnomAD compares: Admixed American, 0.005%; no homozygotes.

Submissions (4):

Labcorp Genetics (formerly Invitae), Labcorp
Classification: Likely benign for Arrhythmogenic right ventricular dysplasia 9. Last evaluated: 2025-08-30. Review status: criteria provided, single submitter. Criteria: Invitae Variant Classification Sherloc (09022015). Collection method: clinical testing. Allele origin: germline.

Ambry Genetics
Classification: Likely benign for Cardiovascular phenotype. Last evaluated: 2024-06-17. Review status: criteria provided, single submitter. Criteria: Ambry Variant Classification Scheme 2023. Collection method: clinical testing. Allele origin: germline.

All of Us Research Program, National Institutes of Health
Classification: Likely benign for Arrhythmogenic right ventricular cardiomyopathy. Last evaluated: 2023-12-18. Review status: criteria provided, single submitter. Criteria: ACMG Guidelines, 2015. Collection method: clinical testing. Allele origin: germline. Inheritance: Autosomal dominant inheritance. Observed: 2 variant alleles, 2 heterozygotes.
Comment: This study involves interpretation of variants in research participants for the purpose of population health screening. Participant phenotype was not available at the time of variant classification. Additional details can be found in publication PMID: 35346344, PMCID: PMC8962531

Color Diagnostics, LLC DBA Color Health
Classification: Likely benign for Cardiomyopathy. Last evaluated: 2019-09-30. Review status: criteria provided, single submitter. Criteria: ACMG Guidelines, 2015. Collection method: clinical testing. Allele origin: germline.

NM_001005242.3(PKP2):c.1998G>T (p.Thr666=)

Gene: PKP2 (plakophilin 2; minus strand). Cytogenetic location: 12p11.21.
Variant type: single nucleotide variant.
Coding change: c.1998G>T on transcript NM_001005242.3 (MANE Select); coding-DNA position 1998, G replaced by T.
Protein change: p.Thr666=; no amino-acid change (threonine 666 retained).
Molecular consequence: synonymous variant.
Genome position (GRCh38, 1-based): chr12:32,821,371, C>A on the plus strand (G>T on the coding strand, the complement: PKP2 is on the minus strand). VCF-style: chr12-32821371-C-A. GRCh37 (hg19) VCF-style: chr12-32974305-C-A.
Other names: c.2130G>T, p.Thr710= (NM_004572.4).
Identifiers: ClinVar variation 533048 (VCV000533048.14), dbSNP rs371089832, ClinGen allele CA032858.